The following is an entry in ClinVar:

NM_004525.3(LRP2):c.13738T>C (p.Trp4580Arg)

Gene: LRP2 (LDL receptor related protein 2; minus strand). Cytogenetic location: 2q31.1.
Variant type: single nucleotide variant.
Coding change: c.13738T>C on transcript NM_004525.3 (MANE Select); coding-DNA position 13738, T replaced by C.
Protein change: p.Trp4580Arg; replaces tryptophan 4580 with arginine.
Molecular consequence: missense variant.
Genome position (GRCh38, 1-based): chr2:169,129,075, A>G on the plus strand (T>C on the coding strand, the complement: LRP2 is on the minus strand). VCF-style: chr2-169129075-A-G. GRCh37 (hg19) VCF-style: chr2-169985585-A-G.
Other names: short protein forms W4580R.
Identifiers: ClinVar variation 3686014 (VCV003686014.2).

ClinVar aggregate classification (germline): Uncertain significance (1 of 4 stars; one submission).

gnomAD v4.1: 7 of 1,608,106 alleles (0.00044%); highest among the groups gnomAD compares: African/African-American, 0.004%; no homozygotes.

Submission:

Labcorp Genetics (formerly Invitae), Labcorp
Classification: Uncertain significance. Last evaluated: 2024-09-09. Review status: criteria provided, single submitter. Criteria: Invitae Variant Classification Sherloc (09022015). Collection method: clinical testing. Allele origin: germline.
Comment: This sequence change replaces tryptophan, which is neutral and slightly polar, with arginine, which is basic and polar, at codon 4580 of the LRP2 protein (p.Trp4580Arg). This variant is not present in population databases (gnomAD no frequency). This variant has not been reported in the literature in individuals affected with LRP2-related conditions. Invitae Evidence Modeling of protein sequence and biophysical properties (such as structural, functional, and spatial information, amino acid conservation, physicochemical variation, residue mobility, and thermodynamic stability) indicates that this missense variant is not expected to disrupt LRP2 protein function with a negative predictive value of 80%. In summary, the available evidence is currently insufficient to determine the role of this variant in disease. Therefore, it has been classified as a Variant of Uncertain Significance.